The following is an entry in ClinVar:

NM_012470.4(TNPO3):c.559T>G (p.Cys187Gly)

Gene: TNPO3 (transportin 3; minus strand). Cytogenetic location: 7q32.1.
Variant type: single nucleotide variant.
Coding change: c.559T>G on transcript NM_012470.4 (MANE Select); coding-DNA position 559, T replaced by G.
Protein change: p.Cys187Gly; replaces cysteine 187 with glycine.
Molecular consequence: missense variant. On other transcripts: non-coding transcript variant (18), intron variant (1).
Genome position (GRCh38, 1-based): chr7:129,005,153, A>C on the plus strand (T>G on the coding strand, the complement: TNPO3 is on the minus strand). VCF-style: chr7-129005153-A-C. GRCh37 (hg19) VCF-style: chr7-128645207-A-C.
Other names: c.559T>G, p.Cys187Gly (NM_001191028.3, NM_001382216.1, NM_001382218.1 and 4 more transcripts); c.640T>G, p.Cys214Gly (NM_001382217.1); c.553-3919T>G (NM_001382221.1); short protein forms C187G, C214G.
Identifiers: ClinVar variation 1390080 (VCV001390080.6), dbSNP rs2150392832, ClinGen allele CA369242243.

ClinVar aggregate classification (germline): Uncertain significance (1 of 4 stars; one submission).

Conditions:
Autosomal dominant limb-girdle muscular dystrophy type 1F (LGMDD2). Also called: MUSCULAR DYSTROPHY, LIMB-GIRDLE, AUTOSOMAL DOMINANT 2; Limb-girdle muscular dystrophy, type 1F. Identifiers: Orphanet 55595, MedGen C1842062, MONDO:0012034, OMIM 608423.

Submission:

Labcorp Genetics (formerly Invitae), Labcorp
Classification: Uncertain significance for Autosomal dominant limb-girdle muscular dystrophy type 1F. Last evaluated: 2022-11-01. Review status: criteria provided, single submitter. Criteria: Invitae Variant Classification Sherloc (09022015). Collection method: clinical testing. Allele origin: germline.
Comment: In summary, the available evidence is currently insufficient to determine the role of this variant in disease. Therefore, it has been classified as a Variant of Uncertain Significance. Advanced modeling of protein sequence and biophysical properties (such as structural, functional, and spatial information, amino acid conservation, physicochemical variation, residue mobility, and thermodynamic stability) performed at Invitae indicates that this missense variant is not expected to disrupt TNPO3 protein function. This sequence change replaces cysteine, which is neutral and slightly polar, with glycine, which is neutral and non-polar, at codon 187 of the TNPO3 protein (p.Cys187Gly). ClinVar contains an entry for this variant (Variation ID: 1390080). This variant has not been reported in the literature in individuals affected with TNPO3-related conditions. This variant is not present in population databases (gnomAD no frequency).